The following is an entry in ClinVar:

ClinVar aggregate classification (germline): Uncertain significance (1 of 4 stars; one submission).

Conditions:
Charcot-Marie-Tooth disease dominant intermediate B (CMTDIB). Also called: CHARCOT-MARIE-TOOTH NEUROPATHY, DOMINANT INTERMEDIATE B; Charcot-Marie-Tooth disease dominant intermediate 1; CMT DI1; Charcot-Marie-Tooth disease dominant intermediate I. Identifiers: Orphanet 100044, Orphanet 228179, MedGen C1847902, MONDO:0011674, OMIM 606482.

Allele frequency attached by ClinVar (database versions not stated): gnomAD exomes below 0.00001.
gnomAD v4.1: 1 of 1,611,812 alleles (0.000062%); highest among the groups gnomAD compares: Non-Finnish European, 0.000085%; no homozygotes.

Submission:

Labcorp Genetics (formerly Invitae), Labcorp
Classification: Uncertain significance for Charcot-Marie-Tooth disease dominant intermediate B. Last evaluated: 2020-11-17. Review status: criteria provided, single submitter. Criteria: Invitae Variant Classification Sherloc (09022015). Collection method: clinical testing. Allele origin: germline.
Comment: This variant is not present in population databases (ExAC no frequency). This variant has not been reported in the literature in individuals with DNM2-related conditions. Algorithms developed to predict the effect of missense changes on protein structure and function are either unavailable or do not agree on the potential impact of this missense change (SIFT: "Deleterious"; PolyPhen-2: "Not Available"; Align-GVGD: "Class C0"). In summary, the available evidence is currently insufficient to determine the role of this variant in disease. Therefore, it has been classified as a Variant of Uncertain Significance. This sequence change replaces proline with leucine at codon 858 of the DNM2 protein (p.Pro858Leu). The proline residue is moderately conserved and there is a moderate physicochemical difference between proline and leucine.

NM_001005361.3(DNM2):c.2573C>T (p.Pro858Leu)

Gene: DNM2 (dynamin 2; plus strand). Cytogenetic location: 19p13.2.
Variant type: single nucleotide variant.
Coding change: c.2573C>T on transcript NM_001005361.3 (MANE Select); coding-DNA position 2573, C replaced by T.
Protein change: p.Pro858Leu; replaces proline 858 with leucine.
Molecular consequence: missense variant.
Genome position (GRCh38, 1-based): chr19:10,831,007, C>T. VCF-style: chr19-10831007-C-T. GRCh37 (hg19) VCF-style: chr19-10941683-C-T.
Other names: c.2573C>T, p.Pro858Leu (NM_001005360.3); c.2561C>T, p.Pro854Leu (NM_001005362.3, NM_004945.4); c.2570C>T, p.Pro857Leu (NM_001190716.2); short protein forms P854L, P858L, P857L.
Identifiers: ClinVar variation 1364656 (VCV001364656.8), dbSNP rs2146214048, ClinGen allele CA404044562.